The following is an entry in ClinVar:

ClinVar aggregate classification (germline): Uncertain significance. Review status: criteria provided, multiple submitters, no conflicts (2 of 4 stars). 2 submissions from 2 submitters: Uncertain significance (2). Last evaluated 2024-11-02.

Conditions:
Inborn genetic diseases. Identifiers: MedGen C0950123, MeSH D030342.

Allele frequency attached by ClinVar (database versions not stated): gnomAD 0.00005 and 0.00006; TOPMed 0.00005; gnomAD exomes 0.00007; ExAC 0.00008.
gnomAD v4.1: 110 of 1,613,950 alleles (0.0068%); highest among the groups gnomAD compares: East Asian, 0.0089%; 1 homozygote.

Submissions (2):

Labcorp Genetics (formerly Invitae), Labcorp
Classification: Uncertain significance. Last evaluated: 2024-11-02. Review status: criteria provided, single submitter. Criteria: Invitae Variant Classification Sherloc (09022015). Collection method: clinical testing. Allele origin: germline.
Comment: This sequence change replaces glutamic acid, which is acidic and polar, with lysine, which is basic and polar, at codon 2352 of the MYO18B protein (p.Glu2352Lys). This variant is present in population databases (rs747342106, gnomAD 0.02%). This variant has not been reported in the literature in individuals affected with MYO18B-related conditions. ClinVar contains an entry for this variant (Variation ID: 1409870). An algorithm developed to predict the effect of missense changes on protein structure and function (PolyPhen-2) suggests that this variant is likely to be disruptive. In summary, the available evidence is currently insufficient to determine the role of this variant in disease. Therefore, it has been classified as a Variant of Uncertain Significance.

Ambry Genetics
Classification: Uncertain significance for Inborn genetic diseases. Last evaluated: 2022-12-28. Review status: criteria provided, single submitter. Criteria: Ambry Variant Classification Scheme 2023. Collection method: clinical testing. Allele origin: germline.

NM_032608.7(MYO18B):c.7054G>A (p.Glu2352Lys)

Gene: MYO18B (myosin XVIIIB; plus strand). Cytogenetic location: 22q12.1.
Variant type: single nucleotide variant.
Coding change: c.7054G>A on transcript NM_032608.7 (MANE Select); coding-DNA position 7054, G replaced by A.
Protein change: p.Glu2352Lys; replaces glutamic acid 2352 with lysine.
Molecular consequence: missense variant.
Genome position (GRCh38, 1-based): chr22:26,027,028, G>A. VCF-style: chr22-26027028-G-A. GRCh37 (hg19) VCF-style: chr22-26422994-G-A.
Other names: c.7057G>A, p.Glu2353Lys (NM_001318245.2); c.7054G>A (NM_032608.5); short protein forms E2353K, E2352K.
Identifiers: ClinVar variation 1409870 (VCV001409870.5), dbSNP rs747342106, ClinGen allele CA10161678.